The following is an entry in ClinVar:

NM_001271938.2(MEGF8):c.889G>A (p.Glu297Lys)

Gene: MEGF8 (multiple EGF like domains 8; plus strand). Cytogenetic location: 19q13.2.
Variant type: single nucleotide variant.
Coding change: c.889G>A on transcript NM_001271938.2 (MANE Select); coding-DNA position 889, G replaced by A.
Protein change: p.Glu297Lys; replaces glutamic acid 297 with lysine.
Molecular consequence: missense variant.
Genome position (GRCh38, 1-based): chr19:42,335,991, G>A. VCF-style: chr19-42335991-G-A. GRCh37 (hg19) VCF-style: chr19-42840143-G-A.
Other names: c.889G>A, p.Glu297Lys (NM_001410.3); short protein forms E297K.
Identifiers: ClinVar variation 1411644 (VCV001411644.8), dbSNP rs1298003744, ClinGen allele CA406085025.

ClinVar aggregate classification (germline): Uncertain significance (1 of 4 stars; one submission).

Conditions:
MEGF8-related Carpenter syndrome. Also called: Carpenter syndrome 2. Identifiers: Orphanet 65759, MedGen C3554247, MONDO:0013998, OMIM 614976.

Allele frequency attached by ClinVar (database versions not stated): gnomAD exomes below 0.00001 and 0.00001.
gnomAD v4.1: 2 of 1,538,790 alleles (0.00013%); highest among the groups gnomAD compares: Non-Finnish European, 0.00017%; no homozygotes.

Submission:

Labcorp Genetics (formerly Invitae), Labcorp
Classification: Uncertain significance for MEGF8-related Carpenter syndrome. Last evaluated: 2021-02-24. Review status: criteria provided, single submitter. Criteria: Invitae Variant Classification Sherloc (09022015). Collection method: clinical testing. Allele origin: germline.
Comment: In summary, the available evidence is currently insufficient to determine the role of this variant in disease. Therefore, it has been classified as a Variant of Uncertain Significance. Algorithms developed to predict the effect of missense changes on protein structure and function are either unavailable or do not agree on the potential impact of this missense change (SIFT: "Tolerated"; PolyPhen-2: "Possibly Damaging"; Align-GVGD: "Class C0"). This variant has not been reported in the literature in individuals with MEGF8-related conditions. The frequency data for this variant in the population databases is considered unreliable, as metrics indicate insufficient coverage at this position in the ExAC database. This sequence change replaces glutamic acid with lysine at codon 297 of the MEGF8 protein (p.Glu297Lys). The glutamic acid residue is weakly conserved and there is a small physicochemical difference between glutamic acid and lysine.